The following is an entry in ClinVar:

ClinVar aggregate classification (germline): Pathogenic (1 of 4 stars; one submission).

Conditions:
Neurofibromatosis, type 1 (NF1). Also called: NEUROFIBROMATOSIS, TYPE I, SOMATIC; VON RECKLINGHAUSEN DISEASE; Peripheral type neurofibromatosis; Neurofibromatosis, type I. Identifiers: Orphanet 636, MedGen C0027831, MONDO:0018975, OMIM 162200. Disease mechanism: loss of function.

Submission:

Labcorp Genetics (formerly Invitae), Labcorp
Classification: Pathogenic for Neurofibromatosis, type 1. Last evaluated: 2025-03-26. Review status: criteria provided, single submitter. Criteria: Invitae Variant Classification Sherloc (09022015). Collection method: clinical testing. Allele origin: germline.
Comment: This sequence change creates a premature translational stop signal (p.Ser1100Hisfs*12) in the NF1 gene. It is expected to result in an absent or disrupted protein product. Loss-of-function variants in NF1 are known to be pathogenic (PMID: 10712197, 23913538). This variant is not present in population databases (gnomAD no frequency). This variant has not been reported in the literature in individuals affected with NF1-related conditions. For these reasons, this variant has been classified as Pathogenic.

Literature cited by the submitters: PubMed 10712197; PubMed 23913538.

NM_001042492.3(NF1):c.3298del (p.Ser1100fs)

Gene: NF1 (neurofibromin 1; plus strand). Cytogenetic location: 17q11.2.
Variant type: Deletion.
Coding change: c.3298del on transcript NM_001042492.3 (MANE Select); coding-DNA position 3298, one base deleted (T; older notation c.3298delT).
Protein change: p.Ser1100fs; shifts the reading frame from serine 1100.
Molecular consequence: frameshift variant.
Genome position (GRCh38, 1-based): chr17:31,232,173, T deleted. VCF-style (leftmost placement, unchanged base first): chr17-31232172-AT-A. GRCh37 (hg19) VCF-style: chr17-29559190-AT-A.
Other names: c.3298del, p.Ser1100fs (NM_000267.4); short protein forms S1100fs.
Identifiers: ClinVar variation 4715981 (VCV004715981.1).